The following is an entry in ClinVar:

ClinVar aggregate classification (germline): Conflicting classifications of pathogenicity. Review status: criteria provided, conflicting classifications (1 of 4 stars). 11 submissions from 10 submitters: Uncertain significance (3); Benign (2); Likely benign (5). 1 of the submissions does not count toward it. Last evaluated 2026-04-01.

Conditions:
Brain small vessel disease 1 with or without ocular anomalies (BSVD1). Also called: PORENCEPHALY, TYPE 1, AUTOSOMAL DOMINANT; BRAIN SMALL VESSEL DISEASE WITH HEMORRHAGE; GOULD SYNDROME 1; Brain small vessel disease with or without ocular anomalies. Identifiers: Orphanet 2940, Orphanet 36383, Orphanet 99810, MedGen C4755307, MONDO:0008289, OMIM 175780.
COL4A1-related disorder. Also called: COL4A1-related condition; COL4A1-related disorders. Identifiers: MedGen CN376119, MONDO:0800461.
Schizencephaly. Identifiers: Orphanet 799, MedGen C0266484, MONDO:0010011, OMIM 269160, HP:0010636.
Autosomal dominant familial hematuria-retinal arteriolar tortuosity-contractures syndrome. Also called: Hereditary Angiopathy with Nephropathy, Aneurysms, and Muscle Cramps (HANAC) Syndrome; Angiopathy, hereditary, with nephropathy, aneurysms, and muscle cramps. Identifiers: Orphanet 73229, MedGen C2673195, MONDO:0012726, OMIM 611773.
Hemorrhage, intracerebral, susceptibility to (ICH). Also called: Stroke, hemorrhagic, susceptibility to. Identifiers: MedGen C3281105, MONDO:0100533, OMIM 614519.
Retinal arterial tortuosity. Also called: RETINAL HEMORRHAGE WITH VASCULAR TORTUOSITY; Retinal arteries, tortuosity of. Identifiers: Orphanet 75326, MedGen C0423401, MONDO:0008373, OMIM 180000, HP:0000631.
Inborn genetic diseases. Identifiers: MedGen C0950123, MeSH D030342.

Allele frequency attached by ClinVar (database versions not stated): gnomAD 0.00027 and 0.00031; TOPMed 0.00029; gnomAD exomes 0.00039; ExAC 0.00041; ESP Exome Variant Server 0.00077.

Submissions (11):

CeGaT Center for Human Genetics Tuebingen
Classification: Likely benign. Last evaluated: 2026-04-01. Review status: criteria provided, single submitter. Criteria: CeGaT Center For Human Genetics Tuebingen Variant Classification Criteria Version 2. Collection method: clinical testing. Allele origin: germline. Affected: yes. Observed: 7 variant alleles.
Comment: COL4A1: BS1

Labcorp Genetics (formerly Invitae), Labcorp
Classification: Likely benign. Last evaluated: 2026-01-05. Review status: criteria provided, single submitter. Criteria: Invitae Variant Classification Sherloc (09022015). Collection method: clinical testing. Allele origin: germline.

Mayo Clinic Laboratories, Mayo Clinic
Classification: Uncertain significance. Last evaluated: 2025-06-29. Review status: criteria provided, single submitter. Criteria: ACMG Guidelines, 2015. Collection method: clinical testing. Allele origin: germline. Observed: 1 variant allele.
Comment: BS1, PP3_moderate

PreventionGenetics, part of Exact Sciences
Classification: Likely benign for COL4A1-related condition. Last evaluated: 2025-05-23. Review status: criteria provided, single submitter. Criteria: ACMG Guidelines, 2015. Collection method: clinical testing. Allele origin: germline.
Comment: This variant is classified as likely benign based on ACMG/AMP sequence variant interpretation guidelines (Richards et al. 2015 PMID: 25741868, with internal and published modifications).

Blueprint Genetics
Classification: Likely benign. Last evaluated: 2024-09-25. Review status: criteria provided, single submitter. Criteria: ACMG Guidelines, 2015. Collection method: clinical testing. Allele origin: germline.

Ambry Genetics
Classification: Likely benign for Inborn genetic diseases. Last evaluated: 2021-12-28. Review status: criteria provided, single submitter. Criteria: Ambry Variant Classification Scheme 2023. Collection method: clinical testing. Allele origin: germline.

Fulgent Genetics
Classification: Uncertain significance for Brain small vessel disease 1 with or without ocular anomalies; Retinal arterial tortuosity; Schizencephaly; Autosomal dominant familial hematuria-retinal arteriolar tortuosity-contractures syndrome; Hemorrhage, intracerebral, susceptibility to. Last evaluated: 2018-10-31. Review status: criteria provided, single submitter. Criteria: ACMG Guidelines, 2015. Collection method: clinical testing. Allele origin: unknown.

Illumina Laboratory Services, Illumina
Classification: Benign for Autosomal dominant familial hematuria-retinal arteriolar tortuosity-contractures syndrome. Last evaluated: 2018-01-12. Review status: criteria provided, single submitter. Criteria: ICSL Variant Classification Criteria 13 December 2019. Collection method: clinical testing. Allele origin: germline.
Comment: This variant was observed in the ICSL laboratory as part of a predisposition screen in an ostensibly healthy population. It had not been previously curated by ICSL or reported in the Human Gene Mutation Database (HGMD: prior to June 1st, 2018), and was therefore a candidate for classification through an automated scoring system. Utilizing variant allele frequency, disease prevalence and penetrance estimates, and inheritance mode, an automated score was calculated to assess if this variant is too frequent to cause the disease. Based on the score and internal cut-off values, a variant classified as benign is not then subjected to further curation. The score for this variant resulted in a classification of benign for this disease.

Illumina Laboratory Services, Illumina
Classification: Benign for Brain small vessel disease 1 with or without ocular anomalies. Last evaluated: 2018-01-12. Review status: criteria provided, single submitter. Criteria: ICSL Variant Classification Criteria 13 December 2019. Collection method: clinical testing. Allele origin: germline.
Comment: the same text as in the submission from Illumina Laboratory Services, Illumina above.

Eurofins Ntd Llc (ga)
Classification: Uncertain significance. Last evaluated: 2015-01-27. Review status: criteria provided, single submitter. Criteria: EGL Classification Definitions 2015. Collection method: clinical testing. Allele origin: germline. Observed: 1 variant allele, 1 heterozygote.

Department of Pathology and Laboratory Medicine, Sinai Health System
Classification: Uncertain significance. Review status: no assertion criteria provided. Collection method: clinical testing. Allele origin: unknown. Affected: yes. Study: The Canadian Open Genetics Repository (COGR). Not counted in ClinVar's aggregate classification.
Comment: The COL4A1 p.Pro530Ser variant was not identified in the literature nor was it identified in Cosmic. The variant was identified in dbSNP (ID: rs145172612), ClinVar (classified as a VUS by EGL Genetics, Illumina Clinical Services and Fulgent Genetics) and LOVD 3.0 (classified as a VUS). The variant was also identified in control databases in 107 of 282602 chromosomes (1 homozygous) at a frequency of 0.000379 increasing the likelihood this could be a low frequency benign variant (Genome Aggregation Database Feb 27, 2017) and was observed in the following populations: European (non-Finnish) in 94 of 128944 chromosomes (freq: 0.000729), Other in 5 of 7212 chromosomes (freq: 0.000693), Latino in 6 of 35428 chromosomes (freq: 0.000169), African in 1 of 24958 chromosomes (freq: 0.00004) and South Asian in 1 of 30616 chromosomes (freq: 0.000033), while the variant was not observed in the Ashkenazi Jewish, East Asian and European (Finnish) populations. The variant occurs outside of the splicing consensus sequence and in silico or computational prediction software programs (SpliceSiteFinder, MaxEntScan, NNSPLICE, GeneSplicer) do not predict a difference in splicing. The p.Pro530 residue is conserved across mammals and other organisms, and computational analyses (PolyPhen-2, SIFT, AlignGVGD, BLOSUM, MutationTaster) suggest that the variant may impact the protein; however, this information is not predictive enough to assume pathogenicity. In summary, based on the above information the clinical significance of this variant cannot be determined with certainty at this time. This variant is classified as a variant of uncertain significance.

Literature cited by the submitters: PubMed 30087447 (cited by Mayo Clinic Laboratories, Mayo Clinic); PubMed 34354814 (cited by Mayo Clinic Laboratories, Mayo Clinic); PubMed 37754822 (cited by Mayo Clinic Laboratories, Mayo Clinic).

NM_001845.6(COL4A1):c.1588C>T (p.Pro530Ser)

Gene: COL4A1 (collagen type IV alpha 1 chain; minus strand). Cytogenetic location: 13q34.
Variant type: single nucleotide variant.
Coding change: c.1588C>T on transcript NM_001845.6 (MANE Select); coding-DNA position 1588, C replaced by T.
Protein change: p.Pro530Ser; replaces proline 530 with serine.
Molecular consequence: missense variant.
Genome position (GRCh38, 1-based): chr13:110,187,278, G>A on the plus strand (C>T on the coding strand, the complement: COL4A1 is on the minus strand). VCF-style: chr13-110187278-G-A. GRCh37 (hg19) VCF-style: chr13-110839625-G-A.
Other names: p.Pro530Ser; short protein forms P530S.
Identifiers: ClinVar variation 195868 (VCV000195868.65), dbSNP rs145172612, ClinGen allele CA242533.
Genomic context (GRCh38, chr13:110,187,278, plus strand): 5'-CTGGAAAGCCTGGGTCTCCTTTGTCACCTTTGAGCCGCAAGTCGAAATAAAACTCACCAG[G>A]CTCCCCCTTGGCTCCTGGCTGGCCTATCAGCCCTGGTGTACCTTGAGGGCCCTGTAAGAA-3'
Protein context (NP_001836.3, residues 520-540): LIGQPGAKGE[Pro530Ser]GEFYFDLRLK